The following is an entry in ClinVar:

NM_012062.5(DNM1L):c.1652C>T (p.Ala551Val)

Gene: DNM1L (dynamin 1 like; plus strand). Cytogenetic location: 12p11.21.
Variant type: single nucleotide variant.
Coding change: c.1652C>T on transcript NM_012062.5 (MANE Select); coding-DNA position 1652, C replaced by T.
Protein change: p.Ala551Val; replaces alanine 551 with valine.
Molecular consequence: missense variant. On other transcripts: intron variant (3).
Genome position (GRCh38, 1-based): chr12:32,737,920, C>T. VCF-style: chr12-32737920-C-T. GRCh37 (hg19) VCF-style: chr12-32890854-C-T.
Other names: c.1652C>T, p.Ala551Val (NM_001278463.2); c.1691C>T, p.Ala564Val (NM_001278464.2, NM_001278465.2); c.1043C>T, p.Ala348Val (NM_001278466.2); c.1635+759C>T (NM_001330380.2); c.1597-344C>T (NM_012063.4); c.1596+759C>T (NM_005690.5); short protein forms A564V, A348V, A551V.
Identifiers: ClinVar variation 2771401 (VCV002771401.3), dbSNP rs1415174785, ClinGen allele CA384361380.

ClinVar aggregate classification (germline): Uncertain significance (1 of 4 stars; one submission).

Allele frequency attached by ClinVar (database versions not stated): gnomAD exomes below 0.00001; TOPMed below 0.00001.
gnomAD v4.1: 1 of 1,613,944 alleles (0.000062%); highest among the groups gnomAD compares: African/African-American, 0.0013%; no homozygotes.

Submission:

Labcorp Genetics (formerly Invitae), Labcorp
Classification: Uncertain significance. Last evaluated: 2024-02-06. Review status: criteria provided, single submitter. Criteria: Invitae Variant Classification Sherloc (09022015). Collection method: clinical testing. Allele origin: germline.
Comment: This sequence change replaces alanine, which is neutral and non-polar, with valine, which is neutral and non-polar, at codon 551 of the DNM1L protein (p.Ala551Val). This variant is not present in population databases (gnomAD no frequency). This variant has not been reported in the literature in individuals affected with DNM1L-related conditions. An algorithm developed to predict the effect of missense changes on protein structure and function (PolyPhen-2) suggests that this variant is likely to be tolerated. In summary, the available evidence is currently insufficient to determine the role of this variant in disease. Therefore, it has been classified as a Variant of Uncertain Significance.